The following is an entry in ClinVar:

ClinVar aggregate classification (germline): Uncertain significance (0 of 4 stars; one submission).

Conditions:
CTR9-related disorder. Also called: CTR9-related condition.

Submission:

PreventionGenetics, part of Exact Sciences
Classification: Uncertain significance for CTR9-related condition. Last evaluated: 2024-04-29. Review status: no assertion criteria provided. Collection method: clinical testing. Allele origin: germline.
Comment: The CTR9 c.23T>G variant is predicted to result in the amino acid substitution p.Ile8Ser. To our knowledge, this variant has not been reported in the literature or in a large population database, indicating this variant is rare. At this time, the clinical significance of this variant is uncertain due to the absence of conclusive functional and genetic evidence.

NM_014633.5(CTR9):c.23T>G (p.Ile8Ser)

Gene: CTR9 (CTR9 homolog, Paf1/RNA polymerase II complex component; plus strand). Cytogenetic location: 11p15.4.
Variant type: single nucleotide variant.
Coding change: c.23T>G on transcript NM_014633.5 (MANE Select); coding-DNA position 23, T replaced by G.
Protein change: p.Ile8Ser; replaces isoleucine 8 with serine.
Molecular consequence: missense variant.
Genome position (GRCh38, 1-based): chr11:10,751,435, T>G. VCF-style: chr11-10751435-T-G. GRCh37 (hg19) VCF-style: chr11-10772982-T-G.
Other names: c.23T>G, p.Ile8Ser (NM_001346279.2); short protein forms I8S.
Identifiers: ClinVar variation 3356058 (VCV003356058.1).
Genomic context (GRCh38, chr11:10,751,435, plus strand): 5'-CGGCGGGGCGAGACACTTGCTCGCCTTTTGACCCCATCATGTCGCGGGGCTCCATCGAGA[T>G]TCCCCTCCGGGACACTGACGAGGTAAGTGTCGTGTATGGAGGCGGGTGGGGGCCATGAAC-3'
Protein context (NP_055448.1, residues 1-18): MSRGSIE[Ile8Ser]PLRDTDEVIE